The following is an entry in ClinVar:

NM_000747.3(CHRNB1):c.440A>G (p.Tyr147Cys)

Gene: CHRNB1 (cholinergic receptor nicotinic beta 1 subunit; plus strand). Cytogenetic location: 17p13.1.
Variant type: single nucleotide variant.
Coding change: c.440A>G on transcript NM_000747.3 (MANE Select); coding-DNA position 440, A replaced by G.
Protein change: p.Tyr147Cys; replaces tyrosine 147 with cysteine.
Molecular consequence: missense variant.
Genome position (GRCh38, 1-based): chr17:7,447,129, A>G. VCF-style: chr17-7447129-A-G. GRCh37 (hg19) VCF-style: chr17-7350448-A-G.
Other names: short protein forms Y147C.
Identifiers: ClinVar variation 3619861 (VCV003619861.2).

ClinVar aggregate classification (germline): Uncertain significance (1 of 4 stars; one submission).

Conditions:
Congenital myasthenic syndrome 2A. Also called: Myasthenic syndrome, congenital, 2a, slow-channel. Identifiers: Orphanet 590, MedGen C4225374, MONDO:0014581, OMIM 616313.

Submission:

Labcorp Genetics (formerly Invitae), Labcorp
Classification: Uncertain significance for Congenital myasthenic syndrome 2A. Last evaluated: 2024-03-19. Review status: criteria provided, single submitter. Criteria: Invitae Variant Classification Sherloc (09022015). Collection method: clinical testing. Allele origin: germline.
Comment: This sequence change replaces tyrosine, which is neutral and polar, with cysteine, which is neutral and slightly polar, at codon 147 of the CHRNB1 protein (p.Tyr147Cys). The frequency data for this variant in the population databases is considered unreliable, as metrics indicate poor data quality at this position in the gnomAD database. This variant has not been reported in the literature in individuals affected with CHRNB1-related conditions. Advanced modeling of protein sequence and biophysical properties (such as structural, functional, and spatial information, amino acid conservation, physicochemical variation, residue mobility, and thermodynamic stability) performed at Invitae indicates that this missense variant is expected to disrupt CHRNB1 protein function with a positive predictive value of 80%. In summary, the available evidence is currently insufficient to determine the role of this variant in disease. Therefore, it has been classified as a Variant of Uncertain Significance.